The following is an entry in ClinVar:

NM_002968.3(SALL1):c.270T>A (p.Pro90=)

Gene: SALL1 (spalt like transcription factor 1; minus strand). Cytogenetic location: 16q12.1.
Variant type: single nucleotide variant.
Coding change: c.270T>A on transcript NM_002968.3 (MANE Select); coding-DNA position 270, T replaced by A.
Protein change: p.Pro90=; no amino-acid change (proline 90 retained).
Molecular consequence: synonymous variant. On other transcripts: 5 prime UTR variant (1).
Genome position (GRCh38, 1-based): chr16:51,141,952, A>T on the plus strand (T>A on the coding strand, the complement: SALL1 is on the minus strand). VCF-style: chr16-51141952-A-T. GRCh37 (hg19) VCF-style: chr16-51175863-A-T.
Other names: c.-22T>A (NM_001127892.2).
Identifiers: ClinVar variation 3042342 (VCV003042342.2), dbSNP rs2143452425, ClinGen allele CA495781985.
Genomic context (GRCh38, chr16:51,141,952, plus strand): 5'-GCAGTCCACTTGATCTGTTTTGTTAACTGTGTCATTCATTTGTTCATCAGGATTATCAGG[A>T]GGGGGGCTGGGGGAGAAGGTTTCGGGTGGGGAGGCTGGATTTTCATTTACGATTAAAACT-3'
Protein context (NP_002959.2, residues 80-100): SPPETFSPSP[Pro90=]PDNPDEQMND

ClinVar aggregate classification (germline): Likely benign (0 of 4 stars; one submission).

Conditions:
SALL1-related disorder. Also called: SALL1-related condition.

Submission:

PreventionGenetics, part of Exact Sciences
Classification: Likely benign for SALL1-related condition. Last evaluated: 2019-03-20. Review status: no assertion criteria provided. Collection method: clinical testing. Allele origin: germline.
Comment: This variant is classified as likely benign based on ACMG/AMP sequence variant interpretation guidelines (Richards et al. 2015 PMID: 25741868, with internal and published modifications).